The following is an entry in ClinVar:

ClinVar aggregate classification (germline): Uncertain significance (1 of 4 stars; one submission).

Allele frequency attached by ClinVar (database versions not stated): TOPMed 0.00001; ExAC 0.00002.
gnomAD v4.1: 8 of 1,614,128 alleles (0.0005%); highest among the groups gnomAD compares: Admixed American, 0.0033%; no homozygotes.

Submission:

Labcorp Genetics (formerly Invitae), Labcorp
Classification: Uncertain significance. Last evaluated: 2022-08-06. Review status: criteria provided, single submitter. Criteria: Invitae Variant Classification Sherloc (09022015). Collection method: clinical testing. Allele origin: germline.
Comment: This sequence change replaces arginine, which is basic and polar, with histidine, which is basic and polar, at codon 252 of the WARS2 protein (p.Arg252His). In summary, the available evidence is currently insufficient to determine the role of this variant in disease. Therefore, it has been classified as a Variant of Uncertain Significance. Algorithms developed to predict the effect of missense changes on protein structure and function are either unavailable or do not agree on the potential impact of this missense change (SIFT: "Deleterious"; PolyPhen-2: "Probably Damaging"; Align-GVGD: "Class C0"). This variant has not been reported in the literature in individuals affected with WARS2-related conditions. This variant is present in population databases (rs765994519, gnomAD 0.003%).

NM_015836.4(WARS2):c.755G>A (p.Arg252His)

Gene: WARS2 (tryptophanyl tRNA synthetase 2, mitochondrial; minus strand). Cytogenetic location: 1p12.
Variant type: single nucleotide variant.
Coding change: c.755G>A on transcript NM_015836.4 (MANE Select); coding-DNA position 755, G replaced by A.
Protein change: p.Arg252His; replaces arginine 252 with histidine.
Molecular consequence: missense variant. On other transcripts: 3 prime UTR variant (2).
Genome position (GRCh38, 1-based): chr1:119,033,239, C>T on the plus strand (G>A on the coding strand, the complement: WARS2 is on the minus strand). VCF-style: chr1-119033239-C-T. GRCh37 (hg19) VCF-style: chr1-119575862-C-T.
Other names: c.686G>A, p.Arg229His (NM_001378226.1, NM_001378227.1); c.584G>A, p.Arg195His (NM_001378228.1); c.497G>A, p.Arg166His (NM_001378229.1); c.473G>A, p.Arg158His (NM_001378230.1); c.*90G>A (NM_001378231.1); c.*121G>A (NM_201263.2); short protein forms R158H, R195H, R229H, R252H, R166H.
Identifiers: ClinVar variation 1951086 (VCV001951086.5), dbSNP rs765994519, ClinGen allele CA1035225.